The following is an entry in ClinVar:

NM_001077663.3(URGCP):c.15-7886_15-3360del

Genes: URGCP (upregulator of cell proliferation; minus strand), URGCP-MRPS24 (URGCP-MRPS24 readthrough; minus strand). Cytogenetic location: 7p13.
Variant type: Deletion.
Coding change: c.15-7886_15-3360del on transcript NM_001077663.3 (MANE Select); 7886 bases into the intron before coding-DNA position 15 through 3360 bases into the intron before coding-DNA position 15, 4,527 bases deleted.
Molecular consequence: intron variant.
Genome position (GRCh38, 1-based): chr7:43,891,176-43,895,702, 4,527 bases deleted. GRCh37 (hg19): chr7:43,930,775-43,935,301.
Other names: c.15-8217_15-3691del (NM_001204871.2, NM_017920.5); c.-115-7886_-115-3360del (NM_001077664.3, NM_001290076.2); c.-110-7891_-110-3365del (NM_001290075.2).
Identifiers: ClinVar variation 157047 (VCV000157047.2), ClinGen allele CA212179.

ClinVar aggregate classification (germline): not provided (0 of 4 stars; one submission).

Conditions:
Normal pregnancy. Identifiers: MedGen C0232989.

Submission:

Institute of Molecular and Cell Biology, University of Tartu
No classification provided. Condition: Normal pregnancy. Review status: no classification provided. Collection method: case-control. Allele origin: unknown. Affected: yes. Study: Kasak2014.
Comment: The study aimed to determine the contribution of copy number variants in the genetic etiology of normal and complicated pregnancies. The samples represented (i) maternal blood DNA drawn from healthy pregnant women during 1st or 2nd trimester and (ii) maternal and paternal blood DNA drawn at term pregnancy cases representing normal and complicated gestations (severe preeclampsia, PE; gestational diabetes, GD; small-for-gestational age newborn, SGA; large-for-gestational age newborn, LGA). We performed CNV calling based on genome-wide genotyping dataset (Illumina HumanOmniExpress-24-v1 BeadChip) by applying three algorithms, QuantiSNP, GADA (Genome Alteration Detection Algorithm) and CNstream in parallel. The acquired CNV calls were merged with HD-CNV (Hotspot Detector for Copy Number Variants) program and only the CNVs predicted by at least two programs, were considered in subsequent analysis.

Literature cited by the submitters: PubMed 25666259.